The following is an entry in ClinVar:

NM_000059.4(BRCA2):c.9502-15C>T

Gene: BRCA2 (BRCA2 DNA repair associated; plus strand). Cytogenetic location: 13q13.1.
Variant type: single nucleotide variant.
Coding change: c.9502-15C>T on transcript NM_000059.4 (MANE Select); 15 bases into the intron before coding-DNA position 9502, C replaced by T.
Molecular consequence: intron variant.
Genome position (GRCh38, 1-based): chr13:32,396,883, C>T. VCF-style: chr13-32396883-C-T. GRCh37 (hg19) VCF-style: chr13-32971020-C-T.
Identifiers: ClinVar variation 2099230 (VCV002099230.5), dbSNP rs2137658605, ClinGen allele CA2580087399.
Genomic context (GRCh38, chr13:32,396,883, plus strand): 5'-TAAAGGAAATACTTTTGGAAACATAAATATGTGGGTTTGCAATTTATAAAGCAGCTTTTC[C>T]ACTTATTTTCTTAGAATATTGACATACTTTGCAATGAAGCAGAAAACAAGCTTATGCATA-3'

ClinVar aggregate classification (germline): Likely benign. Review status: criteria provided, multiple submitters, no conflicts (2 of 4 stars). 2 submissions from 2 submitters: Likely benign (2). Last evaluated 2024-03-15.

Conditions:
Breast-ovarian cancer, familial, susceptibility to, 2 (BROVCA2). Also called: BRCA2 Hereditary Breast and Ovarian Cancer. Identifiers: Orphanet 145, MedGen C2675520, MONDO:0012933, OMIM 612555. Disease mechanism: loss of function.
Hereditary breast ovarian cancer syndrome. Also called: Hereditary breast and ovarian cancer; Hereditary breast and/or ovarian cancer syndrome; Breast and ovarian cancer; Hereditary breast and ovarian cancer syndrome; Hereditary breast and ovarian cancer syndrome (HBOC); BRCA1- and BRCA2-Associated Hereditary Breast and Ovarian Cancer. Identifiers: Orphanet 145, MedGen C0677776, MeSH D061325, MONDO:0003582. Disease mechanism: loss of function.

Submissions (2):

Labcorp Genetics (formerly Invitae), Labcorp
Classification: Likely benign for Hereditary breast ovarian cancer syndrome. Last evaluated: 2024-03-15. Review status: criteria provided, single submitter. Criteria: Invitae Variant Classification Sherloc (09022015). Collection method: clinical testing. Allele origin: germline.

All of Us Research Program, National Institutes of Health
Classification: Likely benign for Breast-ovarian cancer, familial, susceptibility to, 2. Last evaluated: 2023-03-09. Review status: criteria provided, single submitter. Criteria: ACMG Guidelines, 2015. Collection method: clinical testing. Allele origin: germline. Inheritance: Autosomal dominant inheritance. Observed: 1 variant allele, 1 heterozygote.
Comment: This study involves interpretation of variants in research participants for the purpose of population health screening. Participant phenotype was not available at the time of variant classification. Additional details can be found in publication PMID: 35346344, PMCID: PMC8962531